The following is an entry in ClinVar:

NM_001379500.1(COL18A1):c.802G>A (p.Ala268Thr)

Gene: COL18A1 (collagen type XVIII alpha 1 chain; plus strand). Cytogenetic location: 21q22.3.
Variant type: single nucleotide variant.
Coding change: c.802G>A on transcript NM_001379500.1 (MANE Select); coding-DNA position 802, G replaced by A.
Protein change: p.Ala268Thr; replaces alanine 268 with threonine.
Molecular consequence: missense variant.
Genome position (GRCh38, 1-based): chr21:45,476,354, G>A. VCF-style: chr21-45476354-G-A. GRCh37 (hg19) VCF-style: chr21-46896268-G-A.
Other names: NM_130445.2:c.802G>A; c.1342G>A, p.Ala448Thr (NM_030582.4); c.2047G>A, p.Ala683Thr (NM_130444.3); short protein forms A268T, A683T, A448T.
Identifiers: ClinVar variation 1497674 (VCV001497674.5), dbSNP rs759338220, ClinGen allele CA10065937.

ClinVar aggregate classification (germline): Conflicting classifications of pathogenicity. Review status: criteria provided, conflicting classifications (1 of 4 stars). 2 submissions from 2 submitters: Uncertain significance (1); Likely benign (1). Last evaluated 2025-11-26.

Conditions:
Inborn genetic diseases. Identifiers: MedGen C0950123, MeSH D030342.

Allele frequency attached by ClinVar (database versions not stated): ExAC 0.00001; TOPMed 0.00002; gnomAD 0.00001; gnomAD exomes 0.00001.
gnomAD v4.1: 29 of 1,613,830 alleles (0.0018%); highest among the groups gnomAD compares: Non-Finnish European, 0.0023%; no homozygotes.

Submissions (2):

Ambry Genetics
Classification: Likely benign for Inborn genetic diseases. Last evaluated: 2025-11-26. Review status: criteria provided, single submitter. Criteria: Ambry Variant Classification Scheme 2023. Collection method: clinical testing. Allele origin: germline.

Labcorp Genetics (formerly Invitae), Labcorp
Classification: Uncertain significance. Last evaluated: 2021-12-02. Review status: criteria provided, single submitter. Criteria: Invitae Variant Classification Sherloc (09022015). Collection method: clinical testing. Allele origin: germline.
Comment: This sequence change replaces alanine with threonine at codon 268 of the COL18A1 protein (p.Ala268Thr). There is a small physicochemical difference between alanine and threonine. In summary, the available evidence is currently insufficient to determine the role of this variant in disease. Therefore, it has been classified as a Variant of Uncertain Significance. Experimental studies and prediction algorithms are not available or were not evaluated, and the functional significance of this variant is currently unknown. This variant has not been reported in the literature in individuals affected with COL18A1-related conditions. This variant is present in population databases (rs759338220, gnomAD 0.002%).